The following is an entry in ClinVar:

NM_145200.5(CABP4):c.367-45G>A

Gene: CABP4 (calcium binding protein 4; plus strand). Cytogenetic location: 11q13.2.
Variant type: single nucleotide variant.
Coding change: c.367-45G>A on transcript NM_145200.5 (MANE Select); 45 bases into the intron before coding-DNA position 367, G replaced by A.
Molecular consequence: intron variant. On other transcripts: missense variant (3).
Genome position (GRCh38, 1-based): chr11:67,456,143, G>A. VCF-style: chr11-67456143-G-A. GRCh37 (hg19) VCF-style: chr11-67223614-G-A.
Other names: c.7G>A, p.Glu3Lys (NM_001300895.3, NM_001300896.3, NM_001379183.1); c.7G>A (NM_001300896.1); short protein forms E3K.
Identifiers: ClinVar variation 4912578 (VCV004912578.2).
Genomic context (GRCh38, chr11:67,456,143, plus strand): 5'-TGATGGGGCTGGGCCCTGCCCAGGCCAACATGAGCAGGGGATGAAGGAGGAAGGATGACA[G>A]AGCCGTGGCTGGCCCTGGGGACATCCTGGACTCTCCCCCTGCAGGACCGCGAACTGGGCC-3'

ClinVar aggregate classification (germline): Conflicting classifications of pathogenicity. Review status: criteria provided, conflicting classifications (1 of 4 stars). 2 submissions from 2 submitters: Uncertain significance (1); Likely benign (1). Last evaluated 2026-08-01.

Conditions:
CABP4-related disorder. Also called: CABP4-related condition.

Submissions (2):

PreventionGenetics, part of Exact Sciences
Classification: Uncertain significance for CABP4-related condition. Last evaluated: 2026-08-01. Review status: criteria provided, single submitter. Criteria: ACMG Guidelines, 2015. Collection method: clinical testing. Allele origin: germline.
Comment: The CABP4 c.7G>A variant is predicted to result in the amino acid substitution p.Glu3Lys. To our knowledge, this variant has not been reported in the literature. This variant is reported in 0.042% of alleles in individuals of European (Non-Finnish) descent in gnomAD. At this time, the clinical significance of this variant is uncertain due to the absence of conclusive functional and genetic evidence.

Blueprint Genetics
Classification: Likely benign. Last evaluated: 2024-11-15. Review status: criteria provided, single submitter. Criteria: ACMG Guidelines, 2015. Collection method: clinical testing. Allele origin: germline.